The following is an entry in ClinVar:

NM_000051.4(ATM):c.4297T>G (p.Tyr1433Asp)

Gene: ATM (ATM serine/threonine kinase; plus strand). Cytogenetic location: 11q22.3.
Variant type: single nucleotide variant.
Coding change: c.4297T>G on transcript NM_000051.4 (MANE Select); coding-DNA position 4297, T replaced by G.
Protein change: p.Tyr1433Asp; replaces tyrosine 1433 with aspartic acid.
Molecular consequence: missense variant.
Genome position (GRCh38, 1-based): chr11:108,289,662, T>G. VCF-style: chr11-108289662-T-G. GRCh37 (hg19) VCF-style: chr11-108160389-T-G.
Other names: c.4297T>G, p.Tyr1433Asp (NM_001351834.2); short protein forms Y1433D.
Identifiers: ClinVar variation 232105 (VCV000232105.14), dbSNP rs876659559, ClinGen allele CA10579146.

ClinVar aggregate classification (germline): Uncertain significance. Review status: criteria provided, multiple submitters, no conflicts (2 of 4 stars). 3 submissions from 3 submitters: Uncertain significance (3). Last evaluated 2023-06-05.

Conditions:
Hereditary cancer-predisposing syndrome. Also called: Hereditary Cancer Syndrome; Neoplastic Syndromes, Hereditary; Tumor predisposition; Hereditary neoplastic syndrome. Identifiers: Orphanet 140162, MedGen C0027672, MeSH D009386, MONDO:0015356.
Ataxia-telangiectasia syndrome (AT). Also called: Ataxia telangiectasia (A-T); Ataxia-telangiectasia, complementation group E; LOUIS-BAR SYNDROME; Cerebello-oculocutaneous telangiectasia; Immunodeficiency with ataxia telangiectasia; Ataxia-telangiectasia, complementation group D. Identifiers: Orphanet 100, MedGen C0004135, MONDO:0008840, OMIM 208900.

Submissions (3):

Labcorp Genetics (formerly Invitae), Labcorp
Classification: Uncertain significance for Ataxia-telangiectasia syndrome. Last evaluated: 2023-06-05. Review status: criteria provided, single submitter. Criteria: Invitae Variant Classification Sherloc (09022015). Collection method: clinical testing. Allele origin: germline.
Comment: In summary, the available evidence is currently insufficient to determine the role of this variant in disease. Therefore, it has been classified as a Variant of Uncertain Significance. An algorithm developed to predict the effect of missense changes on protein structure and function (PolyPhen-2) suggests that this variant is likely to be disruptive. ClinVar contains an entry for this variant (Variation ID: 232105). This variant has not been reported in the literature in individuals affected with ATM-related conditions. This variant is not present in population databases (gnomAD no frequency). This sequence change replaces tyrosine, which is neutral and polar, with aspartic acid, which is acidic and polar, at codon 1433 of the ATM protein (p.Tyr1433Asp).

Ambry Genetics
Classification: Uncertain significance for Hereditary cancer-predisposing syndrome. Last evaluated: 2023-05-31. Review status: criteria provided, single submitter. Criteria: Ambry Variant Classification Scheme 2023. Collection method: clinical testing. Allele origin: germline.
Comment: The p.Y1433D variant (also known as c.4297T>G), located in coding exon 28 of the ATM gene, results from a T to G substitution at nucleotide position 4297. The tyrosine at codon 1433 is replaced by aspartic acid, an amino acid with highly dissimilar properties. This amino acid position is well conserved in available vertebrate species. In addition, the in silico prediction for this alteration is inconclusive. Since supporting evidence is limited at this time, the clinical significance of this alteration remains unclear.

Color Diagnostics, LLC DBA Color Health
Classification: Uncertain significance for Hereditary cancer-predisposing syndrome. Last evaluated: 2018-09-18. Review status: criteria provided, single submitter. Criteria: ACMG Guidelines, 2015. Collection method: clinical testing. Allele origin: germline.